The following is an entry in ClinVar:

NM_020297.4(ABCC9):c.3771+4G>C

Genes: ABCC9 (ATP binding cassette subfamily C member 9; minus strand), KCNJ8-AS1 (KCNJ8 antisense RNA 1; plus strand). Cytogenetic location: 12p12.1.
Variant type: single nucleotide variant.
Coding change: c.3771+4G>C on transcript NM_020297.4 (MANE Select); 4 bases into the intron after coding-DNA position 3771, G replaced by C.
Molecular consequence: intron variant.
Genome position (GRCh38, 1-based): chr12:21,818,146, C>G on the plus strand (G>C on the coding strand, the complement: ABCC9 is on the minus strand). VCF-style: chr12-21818146-C-G. GRCh37 (hg19) VCF-style: chr12-21971080-C-G.
Other names: c.2904+4G>C (NM_001377274.1); c.3771+4G>C (NM_005691.4, NM_001377273.1).
Identifiers: ClinVar variation 4691348 (VCV004691348.1).

ClinVar aggregate classification (germline): Uncertain significance (1 of 4 stars; one submission).

Conditions:
Dilated cardiomyopathy 1O (CMD1O). Also called: CARDIOMYOPATHY, DILATED, WITH VENTRICULAR TACHYCARDIA. Identifiers: Orphanet 154, MedGen C1837839, MONDO:0012062, OMIM 608569.

gnomAD v4.1: 7 of 1,598,940 alleles (0.00044%); highest among the groups gnomAD compares: East Asian, 0.016%; no homozygotes.

Submission:

Labcorp Genetics (formerly Invitae), Labcorp
Classification: Uncertain significance for Dilated cardiomyopathy 1O. Last evaluated: 2025-12-10. Review status: criteria provided, single submitter. Criteria: Invitae Variant Classification Sherloc (09022015). Collection method: clinical testing. Allele origin: germline.
Comment: This sequence change falls in intron 30 of the ABCC9 gene. It does not directly change the encoded amino acid sequence of the ABCC9 protein. It affects a nucleotide within the consensus splice site. This variant is present in population databases (rs766038215, gnomAD 0.03%). This variant has not been reported in the literature in individuals affected with ABCC9-related conditions. Variants that disrupt the consensus splice site are a relatively common cause of aberrant splicing (PMID: 17576681, 9536098). Algorithms developed to predict the effect of sequence changes on RNA splicing suggest that this variant is not likely to affect RNA splicing. In summary, the available evidence is currently insufficient to determine the role of this variant in disease. Therefore, it has been classified as a Variant of Uncertain Significance.

Literature cited by the submitters: PubMed 17576681; PubMed 9536098.